The following is an entry in ClinVar:

NM_001351132.2(PEX5):c.1814G>A (p.Ser605Asn)

Gene: PEX5 (peroxisomal biogenesis factor 5; plus strand). Cytogenetic location: 12p13.31.
Variant type: single nucleotide variant.
Coding change: c.1814G>A on transcript NM_001351132.2 (MANE Select); coding-DNA position 1814, G replaced by A.
Protein change: p.Ser605Asn; replaces serine 605 with asparagine.
Molecular consequence: missense variant.
Genome position (GRCh38, 1-based): chr12:7,210,117, G>A. VCF-style: chr12-7210117-G-A. GRCh37 (hg19) VCF-style: chr12-7362713-G-A.
Other names: c.1790G>A, p.Ser597Asn (NM_000319.5); c.1859G>A, p.Ser620Asn (NM_001131023.2); c.1703G>A, p.Ser568Asn (NM_001131024.2, NM_001351124.3, NM_001351126.2 and 7 more transcripts); c.1814G>A, p.Ser605Asn (NM_001131025.2, NM_001131026.2, NM_001300789.3 and 4 more transcripts); c.1748G>A, p.Ser583Asn (NM_001351135.3, NM_001351138.2); c.1805G>A, p.Ser602Asn (NM_001351136.2); c.1679G>A, p.Ser560Asn (NM_001351139.2, NM_001351140.2, NM_001374649.2); short protein forms S597N, S605N, S568N, S560N, S583N, S602N, S620N.
Identifiers: ClinVar variation 194614 (VCV000194614.23), dbSNP rs146567534, ClinGen allele CA240687.
Genomic context (GRCh38, chr12:7,210,117, plus strand): 5'-TGCAGAGGAAAAGCCGGGGCCCCCGGGGTGAAGGAGGTGCCATGTCGGAGAACATCTGGA[G>A]CACCCTGCGTTTGGCATTGTCTATGTTAGGCCAGAGCGATGCCTATGGGGCAGCCGACGC-3'
Protein context (NP_001338061.1, residues 595-615): EGGAMSENIW[Ser605Asn]TLRLALSMLG

ClinVar aggregate classification (germline): Conflicting classifications of pathogenicity. Review status: criteria provided, conflicting classifications (1 of 4 stars). 9 submissions from 9 submitters: Uncertain significance (7); Likely benign (1). 1 of the submissions does not count toward it. Last evaluated 2024-11-21.

Conditions:
Rhizomelic chondrodysplasia punctata type 5 (RCDP5). Identifiers: Orphanet 468717, MedGen C4225237, MONDO:0014743, OMIM 616716.
Peroxisome biogenesis disorder 2B (PBD2B). Identifiers: Orphanet 44, MedGen C3550234, MONDO:0008736, OMIM 202370.
Peroxisome biogenesis disorder 2A (Zellweger) (PBD2A). Also called: Cerebrohepatorenal syndrome, variant types. Identifiers: Orphanet 912, MedGen C3550273, MONDO:0008954, OMIM 214110.
PEX5-related disorder. Also called: PEX5-related condition; PEX5-Related Disorders.
Inborn genetic diseases. Identifiers: MedGen C0950123, MeSH D030342.

Allele frequency attached by ClinVar (database versions not stated): 1000 Genomes Project 30x 0.00016; 1000 Genomes Project 0.00020; TOPMed 0.00046; gnomAD 0.00047 and 0.00048; ExAC 0.00049; gnomAD exomes 0.00054 and 0.00055; ESP Exome Variant Server 0.00069.
gnomAD v4.1: 886 of 1,614,256 alleles (0.055%); highest among the groups gnomAD compares: Non-Finnish European, 0.064%; no homozygotes.

Submissions (9):

Blueprint Genetics
Classification: Likely benign. Last evaluated: 2024-11-21. Review status: criteria provided, single submitter. Criteria: ACMG Guidelines, 2015. Collection method: clinical testing. Allele origin: germline.

GeneDx
Classification: Uncertain significance. Last evaluated: 2024-07-16. Review status: criteria provided, single submitter. Criteria: GeneDx Variant Classification Process June 2021. Collection method: clinical testing. Allele origin: germline. Affected: yes.
Comment: In silico analysis supports that this missense variant has a deleterious effect on protein structure/function; Reported in a patient with holoprosencephaly who has a ZIC variant as the likely cause of the phenotype (PMID: 37265970); This variant is associated with the following publications: (PMID: 37265970)

Labcorp Genetics (formerly Invitae), Labcorp
Classification: Uncertain significance for Peroxisome biogenesis disorder 2B. Last evaluated: 2022-10-13. Review status: criteria provided, single submitter. Criteria: Invitae Variant Classification Sherloc (09022015). Collection method: clinical testing. Allele origin: germline.
Comment: This sequence change replaces serine, which is neutral and polar, with asparagine, which is neutral and polar, at codon 605 of the PEX5 protein (p.Ser605Asn). This variant is present in population databases (rs146567534, gnomAD 0.2%), and has an allele count higher than expected for a pathogenic variant. This variant has not been reported in the literature in individuals affected with PEX5-related conditions. ClinVar contains an entry for this variant (Variation ID: 194614). Advanced modeling of protein sequence and biophysical properties (such as structural, functional, and spatial information, amino acid conservation, physicochemical variation, residue mobility, and thermodynamic stability) performed at Invitae indicates that this missense variant is not expected to disrupt PEX5 protein function. In summary, the available evidence is currently insufficient to determine the role of this variant in disease. Therefore, it has been classified as a Variant of Uncertain Significance.

Ambry Genetics
Classification: Uncertain significance for Inborn genetic diseases. Last evaluated: 2021-07-15. Review status: criteria provided, single submitter. Criteria: Ambry Variant Classification Scheme 2023. Collection method: clinical testing. Allele origin: germline.

Eurofins Ntd Llc (ga)
Classification: Uncertain significance. Last evaluated: 2018-07-25. Review status: criteria provided, single submitter. Criteria: EGL ClinVar v180209 classification definitions. Collection method: clinical testing. Allele origin: germline. Observed: 7 variant alleles, 7 heterozygotes.

Illumina Laboratory Services, Illumina
Classification: Uncertain significance for Peroxisome biogenesis disorder 2A (Zellweger). Last evaluated: 2018-01-13. Review status: criteria provided, single submitter. Criteria: ICSL Variant Classification Criteria 13 December 2019. Collection method: clinical testing. Allele origin: germline.

Mayo Clinic Laboratories, Mayo Clinic
Classification: Uncertain significance for Peroxisome biogenesis disorder 2A (Zellweger); Peroxisome biogenesis disorder 2B; Rhizomelic chondrodysplasia punctata type 5. Last evaluated: 2017-07-18. Review status: criteria provided, single submitter. Criteria: ACMG Guidelines, 2015. Collection method: clinical testing. Allele origin: paternal.

Breakthrough Genomics
Classification: Uncertain significance. Review status: criteria provided, single submitter. Criteria: ACMG Guidelines, 2015. Collection method: not provided. Allele origin: germline. Inheritance: Autosomal recessive inheritance. Affected: yes.

PreventionGenetics, part of Exact Sciences
Classification: Likely benign for PEX5-related condition. Last evaluated: 2022-03-04. Review status: no assertion criteria provided. Collection method: clinical testing. Allele origin: germline. Not counted in ClinVar's aggregate classification.
Comment: This variant is classified as likely benign based on ACMG/AMP sequence variant interpretation guidelines (Richards et al. 2015 PMID: 25741868, with internal and published modifications).